The following is an entry in ClinVar:

NM_001297.5(CNGB1):c.151G>A (p.Glu51Lys)

Gene: CNGB1 (cyclic nucleotide gated channel subunit beta 1; minus strand). Cytogenetic location: 16q21.
Variant type: single nucleotide variant.
Coding change: c.151G>A on transcript NM_001297.5 (MANE Select); coding-DNA position 151, G replaced by A.
Protein change: p.Glu51Lys; replaces glutamic acid 51 with lysine.
Molecular consequence: missense variant.
Genome position (GRCh38, 1-based): chr16:57,967,136, C>T on the plus strand (G>A on the coding strand, the complement: CNGB1 is on the minus strand). VCF-style: chr16-57967136-C-T. GRCh37 (hg19) VCF-style: chr16-58001040-C-T.
Other names: c.151G>A, p.Glu51Lys (NM_001135639.2, NM_001286130.2); short protein forms E51K.
Identifiers: ClinVar variation 884345 (VCV000884345.10), dbSNP rs1489659962, ClinGen allele CA396063233.
Genomic context (GRCh38, chr16:57,967,136, plus strand): 5'-AAGACCCTGAGCAGCGAGGCCGGCCTGCCCCTCCTCCCGCTCTACCTCTCACCATGGACT[C>T]GGACTCTGTCTCGGCCTCCTCAGGATTCGGTTCTGGTTCCACCTCCGCCTCCATCTCTGG-3'
Protein context (NP_001288.3, residues 41-61): PNPEEAETES[Glu51Lys]SMPPEESFKE

ClinVar aggregate classification (germline): Uncertain significance. Review status: criteria provided, multiple submitters, no conflicts (2 of 4 stars). 4 submissions from 4 submitters: Uncertain significance (4). Last evaluated 2025-09-13.

Conditions:
CNGB1-related disorder. Also called: CNGB1-related condition.
Retinitis pigmentosa (RP). Identifiers: Orphanet 791, MedGen C0035334, MeSH D012174, MONDO:0019200, OMIM 268000. Inheritance: Autosomal dominant, autosomal recessive and X linked inheritance.

Allele frequency attached by ClinVar (database versions not stated): gnomAD exomes below 0.00001; TOPMed below 0.00001; gnomAD 0.00001.
gnomAD v4.1: 13 of 1,614,044 alleles (0.00081%); highest among the groups gnomAD compares: South Asian, 0.0033%; no homozygotes.

Submissions (4):

PreventionGenetics, part of Exact Sciences
Classification: Uncertain significance for CNGB1-related condition. Last evaluated: 2025-09-13. Review status: criteria provided, single submitter. Criteria: ACMG Guidelines, 2015. Collection method: clinical testing. Allele origin: germline.
Comment: The CNGB1 c.151G>A variant is predicted to result in the amino acid substitution p.Glu51Lys. To our knowledge, this variant has not been reported in the literature. This variant is reported in 0.0033% of alleles in individuals of South Asian descent in gnomAD. At this time, the clinical significance of this variant is uncertain due to the absence of conclusive functional and genetic evidence.

GeneDx
Classification: Uncertain significance. Last evaluated: 2022-04-19. Review status: criteria provided, single submitter. Criteria: GeneDx Variant Classification Process June 2021. Collection method: clinical testing. Allele origin: germline. Affected: yes.
Comment: Not observed at significant frequency in large population cohorts (gnomAD); In silico analysis supports that this missense variant does not alter protein structure/function; Has not been previously published as pathogenic or benign to our knowledge

Labcorp Genetics (formerly Invitae), Labcorp
Classification: Uncertain significance. Last evaluated: 2021-08-24. Review status: criteria provided, single submitter. Criteria: Invitae Variant Classification Sherloc (09022015). Collection method: clinical testing. Allele origin: germline.

Illumina Laboratory Services, Illumina
Classification: Uncertain significance for Retinitis pigmentosa. Last evaluated: 2017-09-05. Review status: criteria provided, single submitter. Criteria: ICSL Variant Classification Criteria 13 December 2019. Collection method: clinical testing. Allele origin: germline.